The following is an entry in ClinVar:

ClinVar aggregate classification (germline): Likely benign. Review status: criteria provided, multiple submitters, no conflicts (2 of 4 stars). 3 submissions from 3 submitters: Likely benign (2). 1 of the submissions does not count toward it. Last evaluated 2026-04-01.

Conditions:
PTPN22-related disorder. Also called: PTPN22-related condition.

Allele frequency attached by ClinVar (database versions not stated): 1000 Genomes Project 30x 0.00031; 1000 Genomes Project 0.00040; TOPMed 0.00162; gnomAD 0.00171 and 0.00175; ExAC 0.00178; gnomAD exomes 0.00178; ESP Exome Variant Server 0.00277.
gnomAD v4.1: 4,454 of 1,613,904 alleles (0.28%); highest among the groups gnomAD compares: Non-Finnish European, 0.35%; 5 homozygotes.

Submissions (5):

CeGaT Center for Human Genetics Tuebingen
Classification: Likely benign. Last evaluated: 2026-04-01. Review status: criteria provided, single submitter. Criteria: CeGaT Center For Human Genetics Tuebingen Variant Classification Criteria Version 2. Collection method: clinical testing. Allele origin: germline. Affected: yes. Observed: 3 variant alleles.
Comment: PTPN22: BP4

Labcorp Genetics (formerly Invitae), Labcorp
Classification: Likely benign. Last evaluated: 2019-12-31. Review status: criteria provided, single submitter. Criteria: Invitae Variant Classification Sherloc (09022015). Collection method: clinical testing. Allele origin: germline.

PreventionGenetics, part of Exact Sciences
Classification: Likely benign for PTPN22-related condition. Last evaluated: 2024-08-15. Review status: no assertion criteria provided. Collection method: clinical testing. Allele origin: germline. Not counted in ClinVar's aggregate classification.
Comment: This variant is classified as likely benign based on ACMG/AMP sequence variant interpretation guidelines (Richards et al. 2015 PMID: 25741868, with internal and published modifications).

Dr. Peter K. Rogan Lab, Western University
No classification provided (evidence only). Condition: Acute myeloid leukemia. Review status: no classification provided. Collection method: in vitro. Allele origin: not applicable. Functional consequence: retained intron. Not counted in ClinVar's aggregate classification.

Dr. Peter K. Rogan Lab, Western University
No classification provided (evidence only). Condition: Acute myeloid leukemia. Review status: no classification provided. Collection method: in vitro. Allele origin: not applicable. Functional consequence: retained intron. Not counted in ClinVar's aggregate classification.

NM_015967.8(PTPN22):c.1366C>G (p.Gln456Glu)

Genes: AP4B1-AS1 (AP4B1 antisense RNA 1; plus strand), PTPN22 (protein tyrosine phosphatase non-receptor type 22; minus strand). Cytogenetic location: 1p13.2.
Variant type: single nucleotide variant.
Coding change: c.1366C>G on transcript NM_015967.8 (MANE Select); coding-DNA position 1366, C replaced by G.
Protein change: p.Gln456Glu; replaces glutamine 456 with glutamic acid.
Molecular consequence: missense variant.
Genome position (GRCh38, 1-based): chr1:113,838,034, G>C on the plus strand (C>G on the coding strand, the complement: PTPN22 is on the minus strand). VCF-style: chr1-113838034-G-C. GRCh37 (hg19) VCF-style: chr1-114380656-G-C.
Other names: NC_000001.10:g.114380656G>C; c.1366C>G, p.Gln456Glu (NM_001193431.3); c.1294C>G, p.Gln432Glu (NM_001308297.2); c.1201C>G, p.Gln401Glu (NM_012411.6); short protein forms Q432E, Q401E, Q456E.
Identifiers: ClinVar variation 773412 (VCV000773412.30), dbSNP rs72650672, ClinGen allele CA1015046.